The following is an entry in ClinVar:

NM_000391.4(TPP1):c.782T>C (p.Val261Ala)

Gene: TPP1 (tripeptidyl peptidase 1; minus strand). Cytogenetic location: 11p15.4.
Variant type: single nucleotide variant.
Coding change: c.782T>C on transcript NM_000391.4 (MANE Select); coding-DNA position 782, T replaced by C.
Protein change: p.Val261Ala; replaces valine 261 with alanine.
Molecular consequence: missense variant.
Genome position (GRCh38, 1-based): chr11:6,616,765, A>G on the plus strand (T>C on the coding strand, the complement: TPP1 is on the minus strand). VCF-style: chr11-6616765-A-G. GRCh37 (hg19) VCF-style: chr11-6637996-A-G.
Other names: short protein forms V261A.
Identifiers: ClinVar variation 649155 (VCV000649155.11), dbSNP rs146136938, ClinGen allele CA5858837.
Genomic context (GRCh38, chr11:6,616,765, plus strand): 5'-ATCAGGTACTGCACATCTAGACTGGCCTCAATCCCGGCCCGGCCCCGGCCCTGTTGTCCA[A>G]CCACACGGGCTACTGATGCCTGATGTGCAAAGTTGCCACCGAAGAGGCGCATGAACTGAG-3'
Protein context (NP_000382.3, residues 251-271): FAHQASVARV[Val261Ala]GQQGRGRAGI

ClinVar aggregate classification (germline): Uncertain significance. Review status: criteria provided, multiple submitters, no conflicts (2 of 4 stars). 4 submissions from 4 submitters: Uncertain significance (3). 1 of the submissions does not count toward it. Last evaluated 2026-01-21.

Conditions:
Inborn genetic diseases. Identifiers: MedGen C0950123, MeSH D030342.
Neuronal ceroid lipofuscinosis 2. Also called: TPP1-Related Neuronal Ceroid-Lipofuscinosis; JANSKY-BIELSCHOWSKY DISEASE NEURONAL CEROID LIPOFUSCINOSIS, LATE INFANTILE. Identifiers: Orphanet 168491, Orphanet 228349, Orphanet 79264, MedGen C1876161, MONDO:0008769, OMIM 204500.

Allele frequency attached by ClinVar (database versions not stated): gnomAD exomes 0.00001; ExAC 0.00002; gnomAD 0.00002; TOPMed 0.00003; ESP Exome Variant Server 0.00008.

Submissions (4):

Labcorp Genetics (formerly Invitae), Labcorp
Classification: Uncertain significance. Last evaluated: 2026-01-21. Review status: criteria provided, single submitter. Criteria: Invitae Variant Classification Sherloc (09022015). Collection method: clinical testing. Allele origin: germline.
Comment: This sequence change replaces valine, which is neutral and non-polar, with alanine, which is neutral and non-polar, at codon 261 of the TPP1 protein (p.Val261Ala). This variant is present in population databases (rs146136938, gnomAD 0.01%). This missense change has been observed in individual(s) with clinical features of TPP1-related conditions (internal data). ClinVar contains an entry for this variant (Variation ID: 649155). Invitae Evidence Modeling of protein sequence and biophysical properties (such as structural, functional, and spatial information, amino acid conservation, physicochemical variation, residue mobility, and thermodynamic stability) indicates that this missense variant is expected to disrupt TPP1 protein function with a positive predictive value of 95%. In summary, the available evidence is currently insufficient to determine the role of this variant in disease. Therefore, it has been classified as a Variant of Uncertain Significance.

GeneDx
Classification: Uncertain significance. Last evaluated: 2019-12-04. Review status: criteria provided, single submitter. Criteria: GeneDx Variant Classification Process June 2021. Collection method: clinical testing. Allele origin: germline. Affected: yes.
Comment: In silico analysis, which includes protein predictors and evolutionary conservation, supports that this variant does not alter protein structure/function; Has not been previously published as pathogenic or benign to our knowledge

Ambry Genetics
Classification: Uncertain significance for Inborn genetic diseases. Last evaluated: 2019-06-24. Review status: criteria provided, single submitter. Criteria: Ambry Variant Classification Scheme 2023. Collection method: clinical testing. Allele origin: germline.
Comment: The p.V261A variant (also known as c.782T>C), located in coding exon 7 of the TPP1 gene, results from a T to C substitution at nucleotide position 782. The valine at codon 261 is replaced by alanine, an amino acid with similar properties. This amino acid position is well conserved in available vertebrate species; however, alanine is the reference amino acid in other vertebrate species. In addition, the in silico prediction for this alteration is inconclusive. Since supporting evidence is limited at this time, the clinical significance of this alteration remains unclear.

Natera, Inc.
Classification: Uncertain significance for Neuronal ceroid lipofuscinosis 2. Last evaluated: 2021-03-28. Review status: no assertion criteria provided. Collection method: clinical testing. Allele origin: germline. Not counted in ClinVar's aggregate classification.